The following is an entry in ClinVar:

ClinVar aggregate classification (germline): Conflicting classifications of pathogenicity. Review status: criteria provided, conflicting classifications (1 of 4 stars). 12 submissions from 12 submitters: Uncertain significance (4); Benign (1); Likely benign (5). 2 of the submissions do not count toward it. Last evaluated 2026-08-19.

Conditions:
Joubert syndrome 17 (JBTS17). Identifiers: Orphanet 475, MedGen C3553264, MONDO:0013824, OMIM 614615.
Intellectual disability. Also called: Intellectual functioning disability; intellectual disabilities; Intellectual developmental disorder. Identifiers: MedGen C3714756, MeSH D008607, MONDO:0001071, HP:0001249.

Allele frequency attached by ClinVar (database versions not stated): 1000 Genomes Project 0.00060; 1000 Genomes Project 30x 0.00062; TOPMed 0.00076; gnomAD 0.00088 and 0.00090; gnomAD exomes 0.00089; ESP Exome Variant Server 0.00101; ExAC 0.00109.
gnomAD v4.1: 1,571 of 1,605,066 alleles (0.098%); highest among the groups gnomAD compares: Non-Finnish European, 0.12%; 3 homozygotes.

Submissions (12):

GeneDx
Classification: Uncertain significance. Last evaluated: 2026-08-19. Review status: criteria provided, single submitter. Criteria: GeneDx Variant Classification Process June 2021. Collection method: clinical testing. Allele origin: germline.
Comment: Has not been previously published as pathogenic or benign to our knowledge; In silico analysis suggests that this missense variant does not alter protein structure/function

Women's Health and Genetics/Laboratory Corporation of America, LabCorp
Classification: Likely benign. Last evaluated: 2026-03-30. Review status: criteria provided, single submitter. Criteria: LabCorp Variant Classification Summary - May 2015. Collection method: clinical testing. Allele origin: germline.
Comment: Variant summary: CPLANE1 c.4517A>G (p.His1506Arg) results in a non-conservative amino acid change in the encoded protein sequence. Algorithms developed to predict the effect of missense changes on protein structure and function are either unavailable or do not agree on the potential impact of this missense change. The variant allele was found at a frequency of 0.00091 in 269192 control chromosomes, predominantly at a frequency of 0.0017 within the Non-Finnish European subpopulation in the gnomAD database. The observed variant frequency within Non-Finnish European control individuals in the gnomAD database exceeds the estimated maximal expected allele frequency for disease-causing variants in CPLANE1. To our knowledge, no occurrence of c.4517A>G in individuals affected with CPLANE1-related conditions and no experimental evidence demonstrating its impact on protein function have been reported. ClinVar contains an entry for this variant (Variation ID: 210553). Based on the evidence outlined above, the variant was classified as likely benign.

Labcorp Genetics (formerly Invitae), Labcorp
Classification: Likely benign. Last evaluated: 2026-01-30. Review status: criteria provided, single submitter. Criteria: Invitae Variant Classification Sherloc (09022015). Collection method: clinical testing. Allele origin: germline.

Blueprint Genetics
Classification: Likely benign. Last evaluated: 2024-11-21. Review status: criteria provided, single submitter. Criteria: ACMG Guidelines, 2015. Collection method: clinical testing. Allele origin: germline.

Cambridge Genomics Laboratory, East Genomic Laboratory Hub, NHS Genomic Medicine Service
Classification: Benign for Intellectual disability. Last evaluated: 2019-04-17. Review status: criteria provided, single submitter. Criteria: ACGS Best Practice Guidelines for Variant Classification in Rare Disease 2020. Collection method: clinical testing. Allele origin: germline. Affected: yes. Observed: 1 variant allele.

Illumina Laboratory Services, Illumina
Classification: Uncertain significance for Joubert syndrome 17. Last evaluated: 2018-01-13. Review status: criteria provided, single submitter. Criteria: ICSL Variant Classification Criteria 13 December 2019. Collection method: clinical testing. Allele origin: germline.

Clinical Genetics DNA and cytogenetics Diagnostics Lab, Erasmus MC, Erasmus Medical Center
Classification: Likely benign for Joubert syndrome 17. Last evaluated: 2017-03-16. Review status: criteria provided, single submitter. Criteria: ACGS Guidelines, 2013. Collection method: clinical testing. Allele origin: germline. Affected: yes. Study: VKGL Data-share Consensus.

Eurofins Ntd Llc (ga)
Classification: Uncertain significance. Last evaluated: 2016-09-02. Review status: criteria provided, single submitter. Criteria: EGL Classification Definitions 2015. Collection method: clinical testing. Allele origin: germline. Observed: 1 variant allele, 1 heterozygote.

Genetic Services Laboratory, University of Chicago
Classification: Uncertain significance. Last evaluated: 2015-05-29. Review status: criteria provided, single submitter. Criteria: ACMG Guidelines, 2015. Collection method: clinical testing. Allele origin: germline.

PreventionGenetics, part of Exact Sciences
Classification: Likely benign. Review status: criteria provided, single submitter. Criteria: ACMG Guidelines, 2015. Collection method: clinical testing. Allele origin: germline.

Clinical Genetics, Academic Medical Center
Classification: Benign. Review status: no assertion criteria provided. Collection method: clinical testing. Allele origin: germline. Affected: yes. Study: VKGL Data-share Consensus. Not counted in ClinVar's aggregate classification.

Laboratory of Diagnostic Genome Analysis, Leiden University Medical Center (LUMC)
Classification: Likely benign. Review status: no assertion criteria provided. Collection method: clinical testing. Allele origin: germline. Affected: yes. Study: VKGL Data-share Consensus. Not counted in ClinVar's aggregate classification.

NM_001384732.1(CPLANE1):c.4517A>G (p.His1506Arg)

Gene: CPLANE1 (ciliogenesis and planar polarity effector complex subunit 1; minus strand). Cytogenetic location: 5p13.2.
Variant type: single nucleotide variant.
Coding change: c.4517A>G on transcript NM_001384732.1 (MANE Select); coding-DNA position 4517, A replaced by G.
Protein change: p.His1506Arg; replaces histidine 1506 with arginine.
Molecular consequence: missense variant.
Genome position (GRCh38, 1-based): chr5:37,183,664, T>C on the plus strand (A>G on the coding strand, the complement: CPLANE1 is on the minus strand). VCF-style: chr5-37183664-T-C. GRCh37 (hg19) VCF-style: chr5-37183766-T-C.
Other names: c.4517A>G, p.His1506Arg (NM_023073.4); short protein forms H1506R.
Identifiers: ClinVar variation 210553 (VCV000210553.37), dbSNP rs141911199, ClinGen allele CA206075.
Genomic context (GRCh38, chr5:37,183,664, plus strand): 5'-TCTTCTTTCTTTGTAGGATTTTCTTTCTGATTACACATTTTCCTTTTATCAGTTGGCTTA[T>C]GAATTGATGTTAATTCCATGTGATTTGGGGCATTTCTATAGCAAAAAAATAAAATAAGAC-3'
Protein context (NP_001371661.1, residues 1496-1516): APNHMELTSI[His1506Arg]KPTDKRKMCN